The following is an entry in ClinVar:

ClinVar aggregate classification (germline): Uncertain significance (1 of 4 stars; one submission).

Submission:

Women's Health and Genetics/Laboratory Corporation of America, LabCorp
Classification: Uncertain significance. Last evaluated: 2026-05-22. Review status: criteria provided, single submitter. Criteria: LabCorp Variant Classification Summary - May 2015. Collection method: clinical testing. Allele origin: germline.
Comment: Variant summary: ARID2 c.2269G>A (p.Val757Met) results in a conservative amino acid change in the encoded protein sequence. Algorithms developed to predict the effect of missense changes on protein structure and function are either unavailable or do not agree on the potential impact of this missense change. The variant was absent in 250486 control chromosomes. The available data on variant occurrences in the general population are insufficient to allow any conclusion about variant significance. To our knowledge, no occurrence of c.2269G>A in individuals affected with ARID2-related conditions and no experimental evidence demonstrating its impact on protein function have been reported. No submitters have cited clinical-significance assessments for this variant to ClinVar. Based on the evidence outlined above, the variant was classified as uncertain significance.

NM_152641.4(ARID2):c.2269G>A (p.Val757Met)

Gene: ARID2 (AT-rich interaction domain 2; plus strand). Cytogenetic location: 12q12.
Variant type: single nucleotide variant.
Coding change: c.2269G>A on transcript NM_152641.4 (MANE Select); coding-DNA position 2269, G replaced by A.
Protein change: p.Val757Met; replaces valine 757 with methionine.
Molecular consequence: missense variant.
Genome position (GRCh38, 1-based): chr12:45,850,392, G>A. VCF-style: chr12-45850392-G-A. GRCh37 (hg19) VCF-style: chr12-46244175-G-A.
Other names: c.2269G>A, p.Val757Met (NM_001347839.2); short protein forms V757M.
Identifiers: ClinVar variation 4853702 (VCV004853702.1).
Genomic context (GRCh38, chr12:45,850,392, plus strand): 5'-GGACCTCCACAGAGTTCTGTTGTTCAGAATCATAGTACAGGGCCACAACCTGTTACAGTT[G>A]TGAATTCTCAGACATTGCTTCACCATCCATCTGTAATTCCACAGCAGTCTCCATTACACA-3'
Protein context (NP_689854.2, residues 747-767): HSTGPQPVTV[Val757Met]NSQTLLHHPS